The following is an entry in ClinVar:

NM_001127208.3(TET2):c.563A>G (p.Lys188Arg)

Genes: TET2 (tet methylcytosine dioxygenase 2; plus strand), TET2-AS1 (TET2 antisense RNA 1; minus strand). Cytogenetic location: 4q24.
Variant type: single nucleotide variant.
Coding change: c.563A>G on transcript NM_001127208.3 (MANE Select); coding-DNA position 563, A replaced by G.
Protein change: p.Lys188Arg; replaces lysine 188 with arginine.
Molecular consequence: missense variant.
Genome position (GRCh38, 1-based): chr4:105,234,505, A>G. VCF-style: chr4-105234505-A-G. GRCh37 (hg19) VCF-style: chr4-106155662-A-G.
Other names: c.563A>G, p.Lys188Arg (NM_017628.4); short protein forms K188R.
Identifiers: ClinVar variation 3806109 (VCV003806109.2).

ClinVar aggregate classification (germline): Uncertain significance. Review status: criteria provided, multiple submitters, no conflicts (2 of 4 stars). 2 submissions from 2 submitters: Uncertain significance (2). Last evaluated 2025-04-03.

Submissions (2):

Labcorp Genetics (formerly Invitae), Labcorp
Classification: Uncertain significance. Last evaluated: 2025-04-03. Review status: criteria provided, single submitter. Criteria: Invitae Variant Classification Sherloc (09022015). Collection method: clinical testing. Allele origin: germline.
Comment: This sequence change replaces lysine, which is basic and polar, with arginine, which is basic and polar, at codon 188 of the TET2 protein (p.Lys188Arg). This variant is present in population databases (rs746262060, gnomAD 0.008%). This variant has not been reported in the literature in individuals affected with TET2-related conditions. An algorithm developed to predict the effect of missense changes on protein structure and function outputs the following: PolyPhen-2: "Benign". The arginine amino acid residue is found in multiple mammalian species, which suggests that this missense change does not adversely affect protein function. In summary, the available evidence is currently insufficient to determine the role of this variant in disease. Therefore, it has been classified as a Variant of Uncertain Significance.

Ambry Genetics
Classification: Uncertain significance. Last evaluated: 2025-03-07. Review status: criteria provided, single submitter. Criteria: Ambry Variant Classification Scheme 2023. Collection method: clinical testing. Allele origin: germline.
Comment: The p.K188R variant (also known as c.563A>G), located in coding exon 1 of the TET2 gene, results from an A to G substitution at nucleotide position 563. The lysine at codon 188 is replaced by arginine, an amino acid with highly similar properties. This amino acid position is conserved. In addition, this alteration is predicted to be tolerated by in silico analysis. Based on the available evidence, the clinical significance of this variant remains unclear.